The following is an entry in ClinVar:

NM_004360.5(CDH1):c.242G>A (p.Gly81Asp)

Gene: CDH1 (cadherin 1; plus strand). Cytogenetic location: 16q22.1.
Variant type: single nucleotide variant.
Coding change: c.242G>A on transcript NM_004360.5 (MANE Select); coding-DNA position 242, G replaced by A.
Protein change: p.Gly81Asp; replaces glycine 81 with aspartic acid.
Molecular consequence: missense variant. On other transcripts: 5 prime UTR variant (2).
Genome position (GRCh38, 1-based): chr16:68,801,748, G>A. VCF-style: chr16-68801748-G-A. GRCh37 (hg19) VCF-style: chr16-68835651-G-A.
Other names: c.242G>A, p.Gly81Asp (NM_001317184.2); c.-1374G>A (NM_001317185.2); c.-1578G>A (NM_001317186.2); c.242G>A (NM_004360.3); short protein forms G81D.
Identifiers: ClinVar variation 1361797 (VCV001361797.10), dbSNP rs1960510759, ClinGen allele CA396457225.

ClinVar aggregate classification (germline): Uncertain significance. Review status: criteria provided, multiple submitters, no conflicts (2 of 4 stars). 2 submissions from 2 submitters: Uncertain significance (2). Last evaluated 2026-06-16.

Conditions:
Hereditary cancer-predisposing syndrome. Also called: Hereditary Cancer Syndrome; Neoplastic Syndromes, Hereditary; Hereditary neoplastic syndrome; Tumor predisposition. Identifiers: Orphanet 140162, MedGen C0027672, MeSH D009386, MONDO:0015356.
Hereditary diffuse gastric adenocarcinoma (HDGC). Also called: DIFFUSE GASTRIC AND LOBULAR BREAST CANCER SYNDROME. Identifiers: Orphanet 26106, MedGen C1708349, MONDO:0007648, OMIM 137215.

Submissions (2):

Ambry Genetics
Classification: Uncertain significance for Hereditary cancer-predisposing syndrome. Last evaluated: 2026-06-16. Review status: criteria provided, single submitter. Criteria: Ambry Variant Classification Scheme 2023. Collection method: clinical testing. Allele origin: germline.
Comment: The p.G81D variant (also known as c.242G>A), located in coding exon 3 of the CDH1 gene, results from a G to A substitution at nucleotide position 242. The glycine at codon 81 is replaced by aspartic acid, an amino acid with similar properties. This amino acid position is conserved. In addition, this alteration is predicted to be deleterious by in silico analysis. Based on the available evidence, the clinical significance of this variant remains unclear.

Labcorp Genetics (formerly Invitae), Labcorp
Classification: Uncertain significance for Hereditary diffuse gastric adenocarcinoma. Last evaluated: 2020-12-31. Review status: criteria provided, single submitter. Criteria: Invitae Variant Classification Sherloc (09022015). Collection method: clinical testing. Allele origin: germline.
Comment: This variant has not been reported in the literature in individuals with CDH1-related conditions. This variant is not present in population databases (ExAC no frequency). This sequence change replaces glycine with aspartic acid at codon 81 of the CDH1 protein (p.Gly81Asp). The glycine residue is highly conserved and there is a moderate physicochemical difference between glycine and aspartic acid. Algorithms developed to predict the effect of missense changes on protein structure and function are either unavailable or do not agree on the potential impact of this missense change (SIFT: "Deleterious"; PolyPhen-2: "Probably Damaging"; Align-GVGD: "Class C0"). In summary, the available evidence is currently insufficient to determine the role of this variant in disease. Therefore, it has been classified as a Variant of Uncertain Significance.